The following is an entry in ClinVar:

ClinVar aggregate classification (germline): Likely benign (0 of 4 stars; one submission).

Conditions:
ASB10-related disorder. Also called: ASB10-related condition.

Allele frequency attached by ClinVar (database versions not stated): ExAC 0.00002; gnomAD 0.00003; TOPMed 0.00003; ESP Exome Variant Server 0.00008; gnomAD exomes 0.00011.
gnomAD v4.1: 154 of 1,611,944 alleles (0.0096%); highest among the groups gnomAD compares: Non-Finnish European, 0.012%; no homozygotes.

Submission:

PreventionGenetics, part of Exact Sciences
Classification: Likely benign for ASB10-related condition. Last evaluated: 2019-03-08. Review status: no assertion criteria provided. Collection method: clinical testing. Allele origin: germline.
Comment: This variant is classified as likely benign based on ACMG/AMP sequence variant interpretation guidelines (Richards et al. 2015 PMID: 25741868, with internal and published modifications).

NM_001142459.2(ASB10):c.927C>T (p.Val309=)

Gene: ASB10 (ankyrin repeat and SOCS box containing 10; minus strand). Cytogenetic location: 7q36.1.
Variant type: single nucleotide variant.
Coding change: c.927C>T on transcript NM_001142459.2 (MANE Select); coding-DNA position 927, C replaced by T.
Protein change: p.Val309=; no amino-acid change (valine 309 retained).
Molecular consequence: synonymous variant.
Genome position (GRCh38, 1-based): chr7:151,181,116, G>A on the plus strand (C>T on the coding strand, the complement: ASB10 is on the minus strand). VCF-style: chr7-151181116-G-A. GRCh37 (hg19) VCF-style: chr7-150878203-G-A.
Other names: c.927C>T, p.Val309= (NM_001142460.1); c.882C>T, p.Val294= (NM_080871.4).
Identifiers: ClinVar variation 3057865 (VCV003057865.2), dbSNP rs144099189, ClinGen allele CA4573730.